The following is an entry in ClinVar:

ClinVar aggregate classification (germline): Likely benign (1 of 4 stars; one submission).

Conditions:
FOXP2-related disorder. Also called: FOXP2-related condition.

Submission:

PreventionGenetics, part of Exact Sciences
Classification: Likely benign for FOXP2-related condition. Last evaluated: 2025-02-04. Review status: criteria provided, single submitter. Criteria: ACMG Guidelines, 2015. Collection method: clinical testing. Allele origin: germline.
Comment: This variant is classified as likely benign based on ACMG/AMP sequence variant interpretation guidelines (Richards et al. 2015 PMID: 25741868, with internal and published modifications).

NM_014491.4(FOXP2):c.397-219G>A

Gene: FOXP2 (forkhead box P2; plus strand). Cytogenetic location: 7q31.1.
Variant type: single nucleotide variant.
Coding change: c.397-219G>A on transcript NM_014491.4 (MANE Select); 219 bases into the intron before coding-DNA position 397, G replaced by A.
Molecular consequence: intron variant.
Genome position (GRCh38, 1-based): chr7:114,629,586, G>A. VCF-style: chr7-114629586-G-A. GRCh37 (hg19) VCF-style: chr7-114269641-G-A.
Other names: c.472-219G>A (NM_148898.4, NM_001172767.2); c.397-6G>A (NM_148900.4); c.397-219G>A (NM_001172766.3, NM_148899.3).
Identifiers: ClinVar variation 4998297 (VCV004998297.1).
Genomic context (GRCh38, chr7:114,629,586, plus strand): 5'-ATAATTTAAAGTATTAATTTGGCTCTGACCCTTTAGAATACAGACTTTCTATACCCTTTT[G>A]TTTAGGATTTTTTGGATTCTGGATTGGAAAATTTCAGAGCTGCCTTGGAAAAAAATGTAT-3'